The following is an entry in ClinVar:

NM_002633.3(PGM1):c.787G>T (p.Asp263Tyr)

Gene: PGM1 (phosphoglucomutase 1; plus strand). Cytogenetic location: 1p31.3.
Variant type: single nucleotide variant.
Coding change: c.787G>T on transcript NM_002633.3 (MANE Select); coding-DNA position 787, G replaced by T.
Protein change: p.Asp263Tyr; replaces aspartic acid 263 with tyrosine.
Molecular consequence: missense variant.
Genome position (GRCh38, 1-based): chr1:63,634,933, G>T. VCF-style: chr1-63634933-G-T. GRCh37 (hg19) VCF-style: chr1-64100604-G-T.
Other names: c.841G>T, p.Asp281Tyr (NM_001172818.1); c.196G>T, p.Asp66Tyr (NM_001172819.2); short protein forms D263Y, D66Y, D281Y.
Identifiers: ClinVar variation 133289 (VCV000133289.25), dbSNP rs587777404, ClinGen allele CA156393.
Genomic context (GRCh38, chr1:63,634,933, plus strand): 5'-GCCCCTGCGAACTCGGCAGTTAACTGCGTTCCTCTGGAGGACTTTGGAGGCCACCACCCT[G>T]ACCCCAACCTCACCTATGCAGCTGACCTGGTGGAGACCATGAAGTCAGGAGAGCATGATT-3'
Protein context (NP_002624.2, residues 253-273): PLEDFGGHHP[Asp263Tyr]PNLTYAADLV

ClinVar aggregate classification (germline): Pathogenic/Likely pathogenic. Review status: criteria provided, multiple submitters, no conflicts (2 of 4 stars). 6 submissions from 6 submitters: Pathogenic (3); Likely pathogenic (1). 2 of the submissions do not count toward it. Last evaluated 2025-10-28.

Conditions:
PGM1-related disorder. Also called: PGM1-related condition; PGM1-related disorders.
PGM1-congenital disorder of glycosylation. Also called: PHOSPHOGLUCOMUTASE 1 DEFICIENCY; PGM1 DEFICIENCY; GLYCOGEN STORAGE DISEASE XIV; GSD XIV; CDG It; Congenital disorder of glycosylation type 1t. Identifiers: Orphanet 319646, MedGen C2752015, MONDO:0013968, OMIM 614921.

Allele frequency attached by ClinVar (database versions not stated): ExAC 0.00002; gnomAD 0.00003 and 0.00004; gnomAD exomes 0.00003 and 0.00007; TOPMed 0.00004.
gnomAD v4.1: 99 of 1,613,924 alleles (0.0061%); highest among the groups gnomAD compares: Non-Finnish European, 0.0081%; no homozygotes.

Submissions (6):

Labcorp Genetics (formerly Invitae), Labcorp
Classification: Pathogenic for PGM1-congenital disorder of glycosylation. Last evaluated: 2025-10-28. Review status: criteria provided, single submitter. Criteria: Invitae Variant Classification Sherloc (09022015). Collection method: clinical testing. Allele origin: germline.
Comment: This sequence change replaces aspartic acid, which is acidic and polar, with tyrosine, which is neutral and polar, at codon 263 of the PGM1 protein (p.Asp263Tyr). This variant is present in population databases (rs587777404, gnomAD 0.005%). This missense change has been observed in individual(s) with PGM1-congenital disorder of glycosylation (PMID: 24499211). ClinVar contains an entry for this variant (Variation ID: 133289). Invitae Evidence Modeling of protein sequence and biophysical properties (such as structural, functional, and spatial information, amino acid conservation, physicochemical variation, residue mobility, and thermodynamic stability) indicates that this missense variant is expected to disrupt PGM1 protein function with a positive predictive value of 80%. Experimental studies have shown that this missense change affects PGM1 function (PMID: 25288802). For these reasons, this variant has been classified as Pathogenic.

CeGaT Center for Human Genetics Tuebingen
Classification: Pathogenic. Last evaluated: 2024-10-01. Review status: criteria provided, single submitter. Criteria: CeGaT Center For Human Genetics Tuebingen Variant Classification Criteria Version 2. Collection method: clinical testing. Allele origin: germline. Affected: yes. Observed: 1 variant allele.
Comment: PGM1: PM3:Strong, PM2, PM5, PP3, PS3:Supporting

Blueprint Genetics
Classification: Pathogenic for PGM1-related disorders. Last evaluated: 2024-06-25. Review status: criteria provided, single submitter. Criteria: ACMG Guidelines, 2015. Collection method: clinical testing. Allele origin: germline. Affected: yes. Observed: 3 variant alleles.

GeneDx
Classification: Likely pathogenic. Last evaluated: 2023-07-19. Review status: criteria provided, single submitter. Criteria: GeneDx Variant Classification Process June 2021. Collection method: clinical testing. Allele origin: germline. Affected: yes.
Comment: Observed with a second PGM1 variant in patients with phosphoglucomutase 1 deficiency, but it is not known whether the variants occurred on the same (in cis) or on different (in trans) chromosomes (Tegtmeyer et al., 2014); Published functional studies demonstrate a damaging effect: slightly increased susceptibility to proteolysis and reduced catalytic activity (Lee et al., 2014); Not observed at significant frequency in large population cohorts (gnomAD); In silico analysis supports that this missense variant has a deleterious effect on protein structure/function; This variant is associated with the following publications: (PMID: 31589614, 28117557, 32898648, 26972339, 28837627, 25288802, 24499211)

PreventionGenetics, part of Exact Sciences
Classification: Pathogenic for PGM1-related condition. Last evaluated: 2024-07-16. Review status: no assertion criteria provided. Collection method: clinical testing. Allele origin: germline. Not counted in ClinVar's aggregate classification.
Comment: The PGM1 c.787G>T variant is predicted to result in the amino acid substitution p.Asp263Tyr. This variant was reported in three patients with phosphoglucomutase deficiency, who were also compound heterozygotes for another pathogenic variant in the PGM1 gene. In all patients, phosphoglucomutase 1 enzyme activity was markedly diminished (Tegtmeyer et al. 2014. PubMed ID: 24499211). Functional characterization showed that this variant leads to significant catalytic impairment (Lee et al. 2014. PubMed ID: 25288802). Another pathogenic variant affecting this residue has been reported in patients with PGM1 deficiency (Tegtmeyer et al. 2014. PubMed ID: 24499211). This variant is reported in 0.0054% of alleles in individuals of European (Non-Finnish) descent in gnomAD. This variant is interpreted as pathogenic.

OMIM
Classification: Pathogenic for CONGENITAL DISORDER OF GLYCOSYLATION, TYPE It. Last evaluated: 2014-02-06. Review status: no assertion criteria provided. Collection method: literature only. Allele origin: germline. Not counted in ClinVar's aggregate classification.

Literature cited by the submitters: PubMed 24499211 (cited by Labcorp Genetics (formerly Invitae), Labcorp and OMIM); PubMed 25288802 (cited by Labcorp Genetics (formerly Invitae), Labcorp).